The following is an entry in ClinVar:

ClinVar aggregate classification (germline): Conflicting classifications of pathogenicity. Review status: criteria provided, conflicting classifications (1 of 4 stars). 2 submissions from 2 submitters: Uncertain significance (1); Likely benign (1). Last evaluated 2025-09-28.

Conditions:
Hereditary cancer-predisposing syndrome. Also called: Hereditary Cancer Syndrome; Hereditary neoplastic syndrome; Tumor predisposition; Neoplastic Syndromes, Hereditary. Identifiers: Orphanet 140162, MedGen C0027672, MeSH D009386, MONDO:0015356.
Ataxia-telangiectasia syndrome (AT). Also called: ATAXIA-TELANGIECTASIA, COMPLEMENTATION GROUP A; ATAXIA-TELANGIECTASIA, FRESNO VARIANT; Ataxia-telangiectasia; Ataxia-telangiectasia, complementation group D; Ataxia-telangiectasia, complementation group E; Ataxia telangiectasia (A-T). Identifiers: Orphanet 100, MedGen C0004135, MONDO:0008840, OMIM 208900.

Submissions (2):

Labcorp Genetics (formerly Invitae), Labcorp
Classification: Uncertain significance for Ataxia-telangiectasia syndrome. Last evaluated: 2025-09-28. Review status: criteria provided, single submitter. Criteria: Invitae Variant Classification Sherloc (09022015). Collection method: clinical testing. Allele origin: germline.
Comment: This sequence change replaces asparagine, which is neutral and polar, with aspartic acid, which is acidic and polar, at codon 504 of the ATM protein (p.Asn504Asp). This variant is not present in population databases (gnomAD no frequency). This variant has not been reported in the literature in individuals affected with ATM-related conditions. ClinVar contains an entry for this variant (Variation ID: 1357995). Invitae Evidence Modeling of protein sequence and biophysical properties (such as structural, functional, and spatial information, amino acid conservation, physicochemical variation, residue mobility, and thermodynamic stability) indicates that this missense variant is not expected to disrupt ATM protein function with a negative predictive value of 95%. In summary, the available evidence is currently insufficient to determine the role of this variant in disease. Therefore, it has been classified as a Variant of Uncertain Significance.

Ambry Genetics
Classification: Likely benign for Hereditary cancer-predisposing syndrome. Last evaluated: 2024-11-21. Review status: criteria provided, single submitter. Criteria: Ambry Variant Classification Scheme 2023. Collection method: clinical testing. Allele origin: germline.

NM_000051.4(ATM):c.1510A>G (p.Asn504Asp)

Gene: ATM (ATM serine/threonine kinase; plus strand). Cytogenetic location: 11q22.3.
Variant type: single nucleotide variant.
Coding change: c.1510A>G on transcript NM_000051.4 (MANE Select); coding-DNA position 1510, A replaced by G.
Protein change: p.Asn504Asp; replaces asparagine 504 with aspartic acid.
Molecular consequence: missense variant.
Genome position (GRCh38, 1-based): chr11:108,250,975, A>G. VCF-style: chr11-108250975-A-G. GRCh37 (hg19) VCF-style: chr11-108121702-A-G.
Other names: c.1510A>G, p.Asn504Asp (NM_001351834.2); short protein forms N504D.
Identifiers: ClinVar variation 1357995 (VCV001357995.11), dbSNP rs2135325176, ClinGen allele CA382534254.